The following is an entry in ClinVar:

NM_000257.4(MYH7):c.-78C>T

Gene: MYH7 (myosin heavy chain 7; minus strand). Cytogenetic location: 14q11.2.
Variant type: single nucleotide variant.
Coding change: c.-78C>T on transcript NM_000257.4 (MANE Select); 78 bases upstream of the start codon, C replaced by T.
Molecular consequence: 5 prime UTR variant.
Genome position (GRCh38, 1-based): chr14:23,435,633, G>A on the plus strand (C>T on the coding strand, the complement: MYH7 is on the minus strand). VCF-style: chr14-23435633-G-A. GRCh37 (hg19) VCF-style: chr14-23904842-G-A.
Other names: c.-78C>T (LRG_384t1).
Identifiers: ClinVar variation 381342 (VCV000381342.1), dbSNP rs1057521021, ClinGen allele CA16606968.

ClinVar aggregate classification (germline): Likely benign (1 of 4 stars; one submission).

Submission:

GeneDx
Classification: Likely benign. Last evaluated: 2015-11-05. Review status: criteria provided, single submitter. Criteria: GeneDx Variant Classification (06012015). Collection method: clinical testing. Allele origin: germline. Affected: yes.
Comment: This variant is considered likely benign or benign based on one or more of the following criteria: it is a conservative change, it occurs at a poorly conserved position in the protein, it is predicted to be benign by multiple in silico algorithms, and/or has population frequency not consistent with disease.